The following is an entry in ClinVar:

NM_000199.5(SGSH):c.333_335delinsTGGT (p.Ser112fs)

Gene: SGSH (N-sulfoglucosamine sulfohydrolase; minus strand). Cytogenetic location: 17q25.3.
Variant type: Indel.
Coding change: c.333_335delinsTGGT on transcript NM_000199.5 (MANE Select); coding-DNA positions 333 to 335, CAG replaced by TGGT.
Protein change: p.Ser112fs; shifts the reading frame from serine 112.
Molecular consequence: frameshift variant.
Genome position (GRCh38, 1-based): chr17:80,215,053-80,215,055, CTG replaced by ACCA on the plus strand (CAG replaced by TGGT on the coding strand, the reverse complement: SGSH is on the minus strand). VCF-style: chr17-80215053-CTG-ACCA. GRCh37 (hg19) VCF-style: chr17-78188852-CTG-ACCA.
Other names: c.333_335delinsTGGT, p.Ser112fs (NM_001352921.3, NM_001352922.2); short protein forms S112fs.
Identifiers: ClinVar variation 1726948 (VCV001726948.2), dbSNP rs2510897873, ClinGen allele CA2580095338.

ClinVar aggregate classification (germline): Likely pathogenic (1 of 4 stars; one submission).

Conditions:
Mucopolysaccharidosis, MPS-III-A (MPS3A). Also called: Mucopolysaccharidosis type IIIA (Sanfilippo A); HEPARAN SULFATE SULFATASE DEFICIENCY; SANFILIPPO SYNDROME A; SULFAMIDASE DEFICIENCY; MPS III A; MUCOPOLYSACCHARIDOSIS, TYPE IIIA, ATTENUATED. Identifiers: Orphanet 581, Orphanet 79269, MedGen C0086647, MONDO:0009655, OMIM 252900.

Submission:

Myriad Genetics, Inc.
Classification: Likely pathogenic for Mucopolysaccharidosis, MPS-III-A. Last evaluated: 2022-01-02. Review status: criteria provided, single submitter. Criteria: Myriad Women's Health Autosomal Recessive and X-Linked Classification Criteria (2021). Collection method: clinical testing. Allele origin: unknown.
Comment: NM_000199.3(SGSH):c.333_335delCAGinsTGGT(S112Gfs*24) is expected to be pathogenic in the context of mucopolysaccharidosis type IIIA. This variant is predicted to lead to an abnormal or absent protein product due to the creation of a premature termination codon in SGSH, a gene where loss-of-function variants are known to be pathogenic. Please note: this variant was assessed in the context of healthy population screening.